The following is an entry in ClinVar:

ClinVar aggregate classification (germline): Uncertain significance. Review status: criteria provided, multiple submitters, no conflicts (2 of 4 stars). 4 submissions from 4 submitters: Uncertain significance (4). Last evaluated 2025-04-10.

Conditions:
Neuroblastoma, susceptibility to, 3. Also called: ALK-Related Neuroblastic Tumor Susceptibility. Identifiers: Orphanet 635, MedGen C2751681, MONDO:0013083, OMIM 613014.
Hereditary cancer-predisposing syndrome. Also called: Tumor predisposition; Hereditary neoplastic syndrome; Neoplastic Syndromes, Hereditary; Hereditary Cancer Syndrome. Identifiers: Orphanet 140162, MedGen C0027672, MeSH D009386, MONDO:0015356.

Allele frequency attached by ClinVar (database versions not stated): gnomAD exomes below 0.00001; TOPMed 0.00001.
gnomAD v4.1: 4 of 1,614,148 alleles (0.00025%); highest among the groups gnomAD compares: African/African-American, 0.0053%; no homozygotes.

Submissions (4):

Ambry Genetics
Classification: Uncertain significance for Hereditary cancer-predisposing syndrome. Last evaluated: 2025-04-10. Review status: criteria provided, single submitter. Criteria: Ambry Variant Classification Scheme 2023. Collection method: clinical testing. Allele origin: germline.
Comment: The p.S408C variant (also known as c.1223C>G), located in coding exon 5 of the ALK gene, results from a C to G substitution at nucleotide position 1223. The serine at codon 408 is replaced by cysteine, an amino acid with dissimilar properties. This amino acid position is conserved. In addition, this alteration is predicted to be tolerated by in silico analysis. Since supporting evidence is limited at this time, the clinical significance of this alteration remains unclear.

Labcorp Genetics (formerly Invitae), Labcorp
Classification: Uncertain significance for Neuroblastoma, susceptibility to, 3. Last evaluated: 2024-01-29. Review status: criteria provided, single submitter. Criteria: Invitae Variant Classification Sherloc (09022015). Collection method: clinical testing. Allele origin: germline.
Comment: This sequence change replaces serine, which is neutral and polar, with cysteine, which is neutral and slightly polar, at codon 408 of the ALK protein (p.Ser408Cys). This variant is present in population databases (no rsID available, gnomAD 0.007%). This variant has not been reported in the literature in individuals affected with ALK-related conditions. ClinVar contains an entry for this variant (Variation ID: 1504384). An algorithm developed to predict the effect of missense changes on protein structure and function (PolyPhen-2) suggests that this variant is likely to be disruptive. In summary, the available evidence is currently insufficient to determine the role of this variant in disease. Therefore, it has been classified as a Variant of Uncertain Significance.

Baylor Genetics
Classification: Uncertain significance for Neuroblastoma, susceptibility to, 3. Last evaluated: 2023-08-07. Review status: criteria provided, single submitter. Criteria: ACMG Guidelines, 2015. Collection method: clinical testing. Allele origin: unknown.

GeneDx
Classification: Uncertain significance. Last evaluated: 2022-09-02. Review status: criteria provided, single submitter. Criteria: GeneDx Variant Classification Process June 2021. Collection method: clinical testing. Allele origin: germline. Affected: yes.
Comment: Not observed at significant frequency in large population cohorts (gnomAD); In silico analysis supports that this missense variant does not alter protein structure/function; Has not been previously published as pathogenic or benign to our knowledge

NM_004304.5(ALK):c.1223C>G (p.Ser408Cys)

Gene: ALK (ALK receptor tyrosine kinase; minus strand). Cytogenetic location: 2p23.2.
Variant type: single nucleotide variant.
Coding change: c.1223C>G on transcript NM_004304.5 (MANE Select); coding-DNA position 1223, C replaced by G.
Protein change: p.Ser408Cys; replaces serine 408 with cysteine.
Molecular consequence: missense variant.
Genome position (GRCh38, 1-based): chr2:29,383,791, G>C on the plus strand (C>G on the coding strand, the complement: ALK is on the minus strand). VCF-style: chr2-29383791-G-C. GRCh37 (hg19) VCF-style: chr2-29606657-G-C.
Other names: short protein forms S408C.
Identifiers: ClinVar variation 1504384 (VCV001504384.13), dbSNP rs1348960950, ClinGen allele CA346585253.
Genomic context (GRCh38, chr2:29,383,791, plus strand): 5'-CCTTCACTGCAGTTCTTCAGGGCAAAGAAGTCCACTGCAGACAAGCTGCGGTTTCCACTG[G>C]AGATGTATTCCAGGGCCACTCGAAATGGGTTGTCTGGACGCCCGATTCTTCCCTGGAGCA-3'
Protein context (NP_004295.2, residues 398-418): NPFRVALEYI[Ser408Cys]SGNRSLSAVD